The following is an entry in ClinVar:

ClinVar aggregate classification (germline): Uncertain significance (1 of 4 stars; one submission).

Submission:

Labcorp Genetics (formerly Invitae), Labcorp
Classification: Uncertain significance. Last evaluated: 2025-11-12. Review status: criteria provided, single submitter. Criteria: Invitae Variant Classification Sherloc (09022015). Collection method: clinical testing. Allele origin: germline.
Comment: This sequence change replaces arginine, which is basic and polar, with glycine, which is neutral and non-polar, at codon 1386 of the POLE protein (p.Arg1386Gly). This variant is not present in population databases (gnomAD no frequency). This variant has not been reported in the literature in individuals affected with POLE-related conditions. Invitae Evidence Modeling of protein sequence and biophysical properties (such as structural, functional, and spatial information, amino acid conservation, physicochemical variation, residue mobility, and thermodynamic stability) indicates that this missense variant is not expected to disrupt POLE protein function with a negative predictive value of 80%. In summary, the available evidence is currently insufficient to determine the role of this variant in disease. Therefore, it has been classified as a Variant of Uncertain Significance.

NM_006231.4(POLE):c.4156C>G (p.Arg1386Gly)

Gene: POLE (DNA polymerase epsilon, catalytic subunit; minus strand). Cytogenetic location: 12q24.33.
Variant type: single nucleotide variant.
Coding change: c.4156C>G on transcript NM_006231.4 (MANE Select); coding-DNA position 4156, C replaced by G.
Protein change: p.Arg1386Gly; replaces arginine 1386 with glycine.
Molecular consequence: missense variant.
Genome position (GRCh38, 1-based): chr12:132,643,971, G>C on the plus strand (C>G on the coding strand, the complement: POLE is on the minus strand). VCF-style: chr12-132643971-G-C. GRCh37 (hg19) VCF-style: chr12-133220557-G-C.
Other names: short protein forms R1386G.
Identifiers: ClinVar variation 4808920 (VCV004808920.1).
Genomic context (GRCh38, chr12:132,643,971, plus strand): 5'-TGTCCTCTGGCACTGAATACTCATAGAGATTGTAGACCATGTTGGAGCGAGGAAGGACCC[G>C]ATTTACCTGGCGAGAATACGACGATGATCTCGTCACTGGGCGTAAGTGGTAATGTCTGTG-3'
Protein context (NP_006222.2, residues 1376-1396): EEGASYRKVN[Arg1386Gly]VLPRSNMVYN